The following is an entry in ClinVar:

NM_001197104.2(KMT2A):c.8374G>A (p.Val2792Ile)

Gene: KMT2A (lysine methyltransferase 2A; plus strand). Cytogenetic location: 11q23.3.
Variant type: single nucleotide variant.
Coding change: c.8374G>A on transcript NM_001197104.2 (MANE Select); coding-DNA position 8374, G replaced by A.
Protein change: p.Val2792Ile; replaces valine 2792 with isoleucine.
Molecular consequence: missense variant.
Genome position (GRCh38, 1-based): chr11:118,504,266, G>A. VCF-style: chr11-118504266-G-A. GRCh37 (hg19) VCF-style: chr11-118374981-G-A.
Other names: c.8464G>A, p.Val2822Ile (NM_001412597.1); c.8365G>A, p.Val2789Ile (NM_005933.4); short protein forms V2789I, V2792I, V2822I.
Identifiers: ClinVar variation 4800564 (VCV004800564.1).

ClinVar aggregate classification (germline): Uncertain significance (1 of 4 stars; one submission).

Submission:

Labcorp Genetics (formerly Invitae), Labcorp
Classification: Uncertain significance. Last evaluated: 2025-11-19. Review status: criteria provided, single submitter. Criteria: Invitae Variant Classification Sherloc (09022015). Collection method: clinical testing. Allele origin: germline.
Comment: This sequence change replaces valine, which is neutral and non-polar, with isoleucine, which is neutral and non-polar, at codon 2792 of the KMT2A protein (p.Val2792Ile). This variant is not present in population databases (gnomAD no frequency). This variant has not been reported in the literature in individuals affected with KMT2A-related conditions. Invitae Evidence Modeling of protein sequence and biophysical properties (such as structural, functional, and spatial information, amino acid conservation, physicochemical variation, residue mobility, and thermodynamic stability) indicates that this missense variant is not expected to disrupt KMT2A protein function with a negative predictive value of 95%. In summary, the available evidence is currently insufficient to determine the role of this variant in disease. Therefore, it has been classified as a Variant of Uncertain Significance.